The following is an entry in ClinVar:

NM_000292.3(PHKA2):c.3242C>T (p.Pro1081Leu)

Gene: PHKA2 (phosphorylase kinase regulatory subunit alpha 2; minus strand). Cytogenetic location: Xp22.13.
Variant type: single nucleotide variant.
Coding change: c.3242C>T on transcript NM_000292.3 (MANE Select); coding-DNA position 3242, C replaced by T.
Protein change: p.Pro1081Leu; replaces proline 1081 with leucine.
Molecular consequence: missense variant.
Genome position (GRCh38, 1-based): chrX:18,897,203, G>A on the plus strand (C>T on the coding strand, the complement: PHKA2 is on the minus strand). VCF-style: chrX-18897203-G-A. GRCh37 (hg19) VCF-style: chrX-18915321-G-A.
Other names: short protein forms P1081L.
Identifiers: ClinVar variation 3767820 (VCV003767820.1).

ClinVar aggregate classification (germline): Uncertain significance (1 of 4 stars; one submission).

Submission:

GeneDx
Classification: Uncertain significance. Last evaluated: 2024-09-09. Review status: criteria provided, single submitter. Criteria: GeneDx Variant Classification Process June 2021. Collection method: clinical testing. Allele origin: germline. Affected: yes.
Comment: Not observed at significant frequency in large population cohorts (gnomAD); In silico analysis supports that this missense variant has a deleterious effect on protein structure/function; Has not been previously published as pathogenic or benign to our knowledge